The following is an entry in ClinVar:

ClinVar aggregate classification (germline): Pathogenic (1 of 4 stars; one submission).

Submission:

Labcorp Genetics (formerly Invitae), Labcorp
Classification: Pathogenic. Last evaluated: 2023-09-09. Review status: criteria provided, single submitter. Criteria: Invitae Variant Classification Sherloc (09022015). Collection method: clinical testing. Allele origin: germline.
Comment: For these reasons, this variant has been classified as Pathogenic. Studies have shown that disruption of this splice site is associated with altered splicing resulting in unknown protein product impact (PMID: 15971231). ClinVar contains an entry for this variant (Variation ID: 1490570). Disruption of this splice site has been observed in individuals with hereditary angioedema (PMID: 15971231; Invitae). This variant is not present in population databases (gnomAD no frequency). This sequence change affects a splice site in intron 3 of the SERPING1 gene. It is expected to disrupt RNA splicing. Variants that disrupt the donor or acceptor splice site typically lead to a loss of protein function (PMID: 16199547), and loss-of-function variants in SERPING1 are known to be pathogenic (PMID: 11112899, 24456027).

Literature cited by the submitters: PubMed 15971231; PubMed 16199547; PubMed 11112899; PubMed 24456027.

NM_000062.3(SERPING1):c.551-2del

Gene: SERPING1 (serpin family G member 1; plus strand). Cytogenetic location: 11q12.1.
Variant type: Deletion.
Coding change: c.551-2del on transcript NM_000062.3 (MANE Select); the canonical splice acceptor site of the intron before coding-DNA position 551, one base deleted (A; older notation c.551-2delA).
Molecular consequence: splice acceptor variant.
Genome position (GRCh38, 1-based): chr11:57,602,033, A deleted. VCF-style (leftmost placement, unchanged base first): chr11-57602032-CA-C. GRCh37 (hg19) VCF-style: chr11-57369505-CA-C.
Other names: c.551-2del (NM_001032295.2).
Identifiers: ClinVar variation 1490570 (VCV001490570.6), dbSNP rs2135311220, ClinGen allele CA2573147305.